The following is an entry in ClinVar:

NM_005186.4(CAPN1):c.1767G>A (p.Ser589=)

Gene: CAPN1 (calpain 1; plus strand). Cytogenetic location: 11q13.1.
Variant type: single nucleotide variant.
Coding change: c.1767G>A on transcript NM_005186.4 (MANE Select); coding-DNA position 1767, G replaced by A.
Protein change: p.Ser589=; no amino-acid change (serine 589 retained).
Molecular consequence: synonymous variant. On other transcripts: non-coding transcript variant (1).
Genome position (GRCh38, 1-based): chr11:65,209,360, G>A. VCF-style: chr11-65209360-G-A. GRCh37 (hg19) VCF-style: chr11-64976831-G-A.
Other names: p.Ser589=; c.1767G>A, p.Ser589= (NM_001198868.2, NM_001198869.2).
Identifiers: ClinVar variation 727352 (VCV000727352.13), dbSNP rs78742312, ClinGen allele CA6093544.

ClinVar aggregate classification (germline): Benign. Review status: criteria provided, multiple submitters, no conflicts (2 of 4 stars). 4 submissions from 4 submitters: Benign (3). 1 of the submissions does not count toward it. Last evaluated 2025-12-30.

Conditions:
CAPN1-related disorder. Also called: CAPN1-related condition.

Allele frequency attached by ClinVar (database versions not stated): gnomAD exomes 0.00071 and 0.00145; ExAC 0.00176; 1000 Genomes Project 0.00519; 1000 Genomes Project 30x 0.00531; gnomAD 0.00561 and 0.00607; TOPMed 0.00664; ESP Exome Variant Server 0.00706.
gnomAD v4.1: 1,931 of 1,613,796 alleles (0.12%); highest among the groups gnomAD compares: African/African-American, 1.9%; 13 homozygotes.

Submissions (4):

Labcorp Genetics (formerly Invitae), Labcorp
Classification: Benign. Last evaluated: 2025-12-30. Review status: criteria provided, single submitter. Criteria: Invitae Variant Classification Sherloc (09022015). Collection method: clinical testing. Allele origin: germline.

Mayo Clinic Laboratories, Mayo Clinic
Classification: Benign. Last evaluated: 2024-07-24. Review status: criteria provided, single submitter. Criteria: ACMG Guidelines, 2015. Collection method: clinical testing. Allele origin: germline. Observed: 2 variant alleles.
Comment: BA1, BS2, BP4, BP7

Breakthrough Genomics
Classification: Benign. Review status: criteria provided, single submitter. Criteria: ACMG Guidelines, 2015. Collection method: not provided. Allele origin: germline. Inheritance: Autosomal recessive inheritance. Affected: yes.

PreventionGenetics, part of Exact Sciences
Classification: Benign for CAPN1-related condition. Last evaluated: 2024-09-04. Review status: no assertion criteria provided. Collection method: clinical testing. Allele origin: germline. Not counted in ClinVar's aggregate classification.
Comment: This variant is classified as benign based on ACMG/AMP sequence variant interpretation guidelines (Richards et al. 2015 PMID: 25741868, with internal and published modifications).